The following is an entry in ClinVar:

ClinVar aggregate classification (germline): Uncertain significance. Review status: criteria provided, multiple submitters, no conflicts (2 of 4 stars). 2 submissions from 2 submitters: Uncertain significance (2). Last evaluated 2025-08-10.

Conditions:
Cone-rod dystrophy 20 (CORD20). Identifiers: Orphanet 1872, MedGen C4014856, MONDO:0014427, OMIM 615973.

gnomAD v4.1: 36 of 1,613,886 alleles (0.0022%); highest among the groups gnomAD compares: Non-Finnish European, 0.0029%; no homozygotes.

Submissions (2):

Labcorp Genetics (formerly Invitae), Labcorp
Classification: Uncertain significance. Last evaluated: 2025-08-10. Review status: criteria provided, single submitter. Criteria: Invitae Variant Classification Sherloc (09022015). Collection method: clinical testing. Allele origin: germline.
Comment: This sequence change replaces alanine, which is neutral and non-polar, with valine, which is neutral and non-polar, at codon 76 of the POC1B protein (p.Ala76Val). This variant is present in population databases (rs538799207, gnomAD 0.003%). This variant has not been reported in the literature in individuals affected with POC1B-related conditions. ClinVar contains an entry for this variant (Variation ID: 3575528). Invitae Evidence Modeling of protein sequence and biophysical properties (such as structural, functional, and spatial information, amino acid conservation, physicochemical variation, residue mobility, and thermodynamic stability) indicates that this missense variant is not expected to disrupt POC1B protein function with a negative predictive value of 80%. In summary, the available evidence is currently insufficient to determine the role of this variant in disease. Therefore, it has been classified as a Variant of Uncertain Significance.

Fulgent Genetics
Classification: Uncertain significance for Cone-rod dystrophy 20. Last evaluated: 2024-06-04. Review status: criteria provided, single submitter. Criteria: ACMG Guidelines, 2015. Collection method: clinical testing. Allele origin: germline.

NM_172240.3(POC1B):c.227C>T (p.Ala76Val)

Genes: POC1B (POC1 centriolar protein B; minus strand), POC1B-DUSP6 (POC1B-DUSP6 readthrough; minus strand). Cytogenetic location: 12q21.33.
Variant type: single nucleotide variant.
Coding change: c.227C>T on transcript NM_172240.3 (MANE Select); coding-DNA position 227, C replaced by T.
Protein change: p.Ala76Val; replaces alanine 76 with valine.
Molecular consequence: missense variant. On other transcripts: intron variant (1).
Genome position (GRCh38, 1-based): chr12:89,497,216, G>A on the plus strand (C>T on the coding strand, the complement: POC1B is on the minus strand). VCF-style: chr12-89497216-G-A. GRCh37 (hg19) VCF-style: chr12-89890993-G-A.
Other names: c.101C>T, p.Ala34Val (NM_001199777.2); c.227C>T, p.Ala76Val (NM_001425771.1, NM_001425772.1); c.-118-5101C>T (NM_001425773.1); short protein forms A76V, A34V.
Identifiers: ClinVar variation 3575528 (VCV003575528.2).